The following is an entry in ClinVar:

NM_007194.4(CHEK2):c.94del (p.Ser32fs)

Gene: CHEK2 (checkpoint kinase 2; minus strand). Cytogenetic location: 22q12.1.
Variant type: Deletion.
Coding change: c.94del on transcript NM_007194.4 (MANE Select); coding-DNA position 94, one base deleted (T; older notation c.94delT).
Protein change: p.Ser32fs; shifts the reading frame from serine 32.
Molecular consequence: frameshift variant.
Genome position (GRCh38, 1-based): chr22:28,734,628, A deleted on the plus strand (T on the coding strand, the reverse complement: CHEK2 is on the minus strand). VCF-style (leftmost placement, unchanged base first): chr22-28734627-GA-G. GRCh37 (hg19) VCF-style: chr22-29130615-GA-G.
Other names: c.94delT, p.Ser32Profs (NM_001005735.3, NM_001349956.3, NM_145862.3); c.-684delT (NM_001257387.3); short protein forms S32fs.
Identifiers: ClinVar variation 1454906 (VCV001454906.7), dbSNP rs2146152456, ClinGen allele CA2573157844.

ClinVar aggregate classification (germline): Pathogenic (1 of 4 stars; one submission).

Conditions:
Familial cancer of breast. Also called: Hereditary breast cancer; hereditary breast carcinoma; BREAST CANCER, FAMILIAL. Identifiers: Orphanet 227535, MedGen C0346153, MONDO:0016419, OMIM 114480. Disease mechanism: loss of function.

Submission:

Labcorp Genetics (formerly Invitae), Labcorp
Classification: Pathogenic for Familial cancer of breast. Last evaluated: 2020-11-17. Review status: criteria provided, single submitter. Criteria: Invitae Variant Classification Sherloc (09022015). Collection method: clinical testing. Allele origin: germline.
Comment: For these reasons, this variant has been classified as Pathogenic. This variant has not been reported in the literature in individuals with CHEK2-related conditions. This variant is not present in population databases (ExAC no frequency). This sequence change creates a premature translational stop signal (p.Ser32Profs*29) in the CHEK2 gene. It is expected to result in an absent or disrupted protein product. Loss-of-function variants in CHEK2 are known to be pathogenic (PMID: 21876083, 24713400).

Literature cited by the submitters: PubMed 21876083; PubMed 24713400.